The following is an entry in ClinVar:

ClinVar aggregate classification (germline): Uncertain significance (1 of 4 stars; one submission).

Conditions:
Primary ciliary dyskinesia. Also called: Ciliary dyskinesia. Identifiers: Orphanet 244, MedGen C0008780, MONDO:0016575, HP:0012265.

Allele frequency attached by ClinVar (database versions not stated): TOPMed below 0.00001.
gnomAD v4.1: 2 of 1,612,252 alleles (0.00012%); highest among the groups gnomAD compares: Non-Finnish European, 0.00017%; no homozygotes.

Submission:

Labcorp Genetics (formerly Invitae), Labcorp
Classification: Uncertain significance for Primary ciliary dyskinesia. Last evaluated: 2022-05-29. Review status: criteria provided, single submitter. Criteria: Invitae Variant Classification Sherloc (09022015). Collection method: clinical testing. Allele origin: germline.
Comment: This sequence change replaces cysteine, which is neutral and slightly polar, with phenylalanine, which is neutral and non-polar, at codon 701 of the DNAAF2 protein (p.Cys701Phe). The frequency data for this variant in the population databases is considered unreliable, as metrics indicate poor data quality at this position in the gnomAD database. This variant has not been reported in the literature in individuals affected with DNAAF2-related conditions. Algorithms developed to predict the effect of missense changes on protein structure and function output the following: SIFT: "Deleterious"; PolyPhen-2: "Benign"; Align-GVGD: "Class C0". The phenylalanine amino acid residue is found in multiple mammalian species, which suggests that this missense change does not adversely affect protein function. In summary, the available evidence is currently insufficient to determine the role of this variant in disease. Therefore, it has been classified as a Variant of Uncertain Significance.

NM_018139.3(DNAAF2):c.2102G>T (p.Cys701Phe)

Gene: DNAAF2 (dynein axonemal assembly factor 2; minus strand). Cytogenetic location: 14q21.3.
Variant type: single nucleotide variant.
Coding change: c.2102G>T on transcript NM_018139.3 (MANE Select); coding-DNA position 2102, G replaced by T.
Protein change: p.Cys701Phe; replaces cysteine 701 with phenylalanine.
Molecular consequence: missense variant. On other transcripts: 5 prime UTR variant (1).
Genome position (GRCh38, 1-based): chr14:49,625,954, C>A on the plus strand (G>T on the coding strand, the complement: DNAAF2 is on the minus strand). VCF-style: chr14-49625954-C-A. GRCh37 (hg19) VCF-style: chr14-50092672-C-A.
Other names: c.1958G>T, p.Cys653Phe (NM_001083908.2); c.-110G>T (NM_001378453.1); short protein forms C653F, C701F.
Identifiers: ClinVar variation 2063015 (VCV002063015.1), dbSNP rs1337764174, ClinGen allele CA389624167.